The following is an entry in ClinVar:

ClinVar aggregate classification (germline): Uncertain significance (1 of 4 stars; one submission).

Conditions:
Cardiovascular phenotype. Identifiers: MedGen CN230736.

Allele frequency attached by ClinVar (database versions not stated): ExAC 0.00001.

Submission:

Ambry Genetics
Classification: Uncertain significance for Cardiovascular phenotype. Last evaluated: 2019-12-19. Review status: criteria provided, single submitter. Criteria: Ambry Variant Classification Scheme 2023. Collection method: clinical testing. Allele origin: germline.
Comment: The p.W336R variant (also known as c.1006T>A), located in coding exon 12 of the TECRL gene, results from a T to A substitution at nucleotide position 1006. The tryptophan at codon 336 is replaced by arginine, an amino acid with dissimilar properties. This amino acid position is highly conserved in available vertebrate species. In addition, the in silico prediction for this alteration is inconclusive. Since supporting evidence is limited at this time, the clinical significance of this alteration remains unclear.

NM_001010874.5(TECRL):c.1006T>A (p.Trp336Arg)

Gene: TECRL (trans-2,3-enoyl-CoA reductase like; minus strand). Cytogenetic location: 4q13.1.
Variant type: single nucleotide variant.
Coding change: c.1006T>A on transcript NM_001010874.5 (MANE Select); coding-DNA position 1006, T replaced by A.
Protein change: p.Trp336Arg; replaces tryptophan 336 with arginine.
Molecular consequence: missense variant. On other transcripts: intron variant (1).
Genome position (GRCh38, 1-based): chr4:64,280,158, A>T on the plus strand (T>A on the coding strand, the complement: TECRL is on the minus strand). VCF-style: chr4-64280158-A-T. GRCh37 (hg19) VCF-style: chr4-65145876-A-T.
Other names: c.964+883T>A (NM_001363796.1); short protein forms W336R.
Identifiers: ClinVar variation 1785785 (VCV001785785.2), dbSNP rs757538239, ClinGen allele CA2935262.
Genomic context (GRCh38, chr4:64,280,158, plus strand): 5'-ATTTTCTATGAATATATGAATTGAATTTTCTCAGATAAATCTTATGTTTCTTTTGTGCCC[A>T]CAAAGACATCTGGATACTCATCAGAAGTGTAAAAATTCCAACTAGAAGAAAAAAGAAATA-3'
Protein context (NP_001010874.2, residues 326-346): TLLMSIQMSL[Trp336Arg]AQKKHKIYLR